The following is an entry in ClinVar:

NM_153033.5(KCTD7):c.26C>T (p.Pro9Leu)

Genes: KCTD7 (potassium channel tetramerization domain containing 7; plus strand), LOC129998533 (ATAC-STARR-seq lymphoblastoid silent region 18210; plus strand). Cytogenetic location: 7q11.21.
Variant type: single nucleotide variant.
Coding change: c.26C>T on transcript NM_153033.5 (MANE Select); coding-DNA position 26, C replaced by T.
Protein change: p.Pro9Leu; replaces proline 9 with leucine.
Molecular consequence: missense variant.
Genome position (GRCh38, 1-based): chr7:66,629,090, C>T. VCF-style: chr7-66629090-C-T. GRCh37 (hg19) VCF-style: chr7-66094077-C-T.
Other names: c.26C>T, p.Pro9Leu (NM_001167961.2); short protein forms P9L.
Identifiers: ClinVar variation 3609362 (VCV003609362.2).
Genomic context (GRCh38, chr7:66,629,090, plus strand): 5'-GCCCGAAGCCGCGCCCACTGCCCAGAGCCAGAGGGATGGTGGTAGTCACGGGGCGGGAGC[C>T]AGACAGCCGTCGTCAGGACGGTGCCATGTCCAGCTCTGACGCCGAAGACGACTTTCTGGA-3'
Protein context (NP_694578.1, residues 1-19): MVVVTGRE[Pro9Leu]DSRRQDGAMS

ClinVar aggregate classification (germline): Uncertain significance (1 of 4 stars; one submission).

Conditions:
Progressive myoclonic epilepsy type 3. Also called: EPILEPSY, PROGRESSIVE MYOCLONIC, 3, WITH OR WITHOUT INTRACELLULAR INCLUSIONS; CEROID LIPOFUSCINOSIS, NEURONAL, 14; EPILEPSY, PROGRESSIVE MYOCLONIC, 3, WITHOUT INTRACELLULAR INCLUSIONS; KCTD7-Related Progressive Myoclonic Epilepsy. Identifiers: Orphanet 263516, MedGen C2673257, MONDO:0012721, OMIM 611726.

Submission:

Labcorp Genetics (formerly Invitae), Labcorp
Classification: Uncertain significance for Progressive myoclonic epilepsy type 3. Last evaluated: 2024-05-18. Review status: criteria provided, single submitter. Criteria: Invitae Variant Classification Sherloc (09022015). Collection method: clinical testing. Allele origin: germline.
Comment: This sequence change replaces proline, which is neutral and non-polar, with leucine, which is neutral and non-polar, at codon 9 of the KCTD7 protein (p.Pro9Leu). This variant is not present in population databases (gnomAD no frequency). This variant has not been reported in the literature in individuals affected with KCTD7-related conditions. An algorithm developed to predict the effect of missense changes on protein structure and function (PolyPhen-2) suggests that this variant is likely to be tolerated. In summary, the available evidence is currently insufficient to determine the role of this variant in disease. Therefore, it has been classified as a Variant of Uncertain Significance.